The following is an entry in ClinVar:

Conditions:
Breast-ovarian cancer, familial, susceptibility to, 1 (BROVCA1). Also called: BRCA1 Hereditary Breast and Ovarian Cancer; OVARIAN CANCER, SUSCEPTIBILITY TO. Identifiers: Orphanet 145, MedGen C2676676, MONDO:0011450, OMIM 604370. Disease mechanism: loss of function.

Submission:

Brotman Baty Institute, University of Washington
No classification provided (evidence only). Condition: Breast-ovarian cancer, familial 1. Review status: no classification provided. Collection method: in vitro. Allele origin: not applicable. Functional consequence: functionally_normal.
ClinVar note: "not provided" was previously submitted as the classification for the variant. However, the classification appeared to be based only on an observation of functional data so it was converted to no classification on 2025-07-30.

NM_007294.4(BRCA1):c.27A>T (p.Glu9Asp)

Gene: BRCA1 (BRCA1 DNA repair associated; minus strand). Cytogenetic location: 17q21.31.
Variant type: single nucleotide variant.
Coding change: c.27A>T on transcript NM_007294.4 (MANE Select); coding-DNA position 27, A replaced by T.
Protein change: p.Glu9Asp; replaces glutamic acid 9 with aspartic acid.
Molecular consequence: missense variant. On other transcripts: 5 prime UTR variant (1), non-coding transcript variant (1).
Genome position (GRCh38, 1-based): chr17:43,124,070, T>A on the plus strand (A>T on the coding strand, the complement: BRCA1 is on the minus strand). VCF-style: chr17-43124070-T-A. GRCh37 (hg19) VCF-style: chr17-41276087-T-A.
Other names: c.-162A>T (NM_001407571.1, NM_001407853.1, NM_001407879.1 and 46 more transcripts); c.27A>T, p.Glu9Asp (NM_001407581.1, NM_001407582.1, NM_001407583.1 and 193 more transcripts); c.-231A>T (NM_001407694.1, NM_001407724.1, NM_001407727.1 and 11 more transcripts); c.-235A>T (NM_001407695.1, NM_001408465.1); c.-376A>T (NM_001407696.1); c.-260A>T (NM_001407697.1, NM_001407846.1, NM_001407920.1); c.-61A>T (NM_001407698.1, NM_001407732.1, NM_001407736.1 and 23 more transcripts); c.-234A>T (NM_001407725.1, NM_001407730.1, NM_001407734.1 and 22 more transcripts); and 8 more; short protein forms E9D.
Identifiers: ClinVar variation 869079 (VCV000869079.3), dbSNP rs2055738370, ClinGen allele CA10602108.
Genomic context (GRCh38, chr17:43,124,070, plus strand): 5'-GACTTACCAGATGGGACACTCTAAGATTTTCTGCATAGCATTAATGACATTTTGTACTTC[T>A]TCAACGCGAAGAGCAGATAAATCCATTTCTTTCTGTTCCAATGAACTTTAACACATTAGA-3'
Protein context (NP_009225.1, residues 1-19): MDLSALRV[Glu9Asp]EVQNVINAMQ